The following is an entry in ClinVar:

ClinVar aggregate classification (germline): Pathogenic (1 of 4 stars; one submission).

Conditions:
Nephronophthisis 15 (NPHP15). Identifiers: Orphanet 3156, MedGen C3541853, MONDO:0013917, OMIM 614845.

Submission:

Labcorp Genetics (formerly Invitae), Labcorp
Classification: Pathogenic for Nephronophthisis 15. Last evaluated: 2025-08-04. Review status: criteria provided, single submitter. Criteria: Invitae Variant Classification Sherloc (09022015). Collection method: clinical testing. Allele origin: germline.
Comment: This sequence change creates a premature translational stop signal (p.Ser519Thrfs*74) in the CEP164 gene. It is expected to result in an absent or disrupted protein product. Loss-of-function variants in CEP164 are known to be pathogenic (PMID: 22863007, 28125082, 32367404, 34132027, 34499853). This variant is not present in population databases (gnomAD no frequency). This variant has not been reported in the literature in individuals affected with CEP164-related conditions. For these reasons, this variant has been classified as Pathogenic.

Literature cited by the submitters: PubMed 22863007; PubMed 28125082; PubMed 32367404; PubMed 34132027; PubMed 34499853.

NM_014956.5(CEP164):c.1556del (p.Ser519fs)

Gene: CEP164 (centrosomal protein 164; plus strand). Cytogenetic location: 11q23.3.
Variant type: Deletion.
Coding change: c.1556del on transcript NM_014956.5 (MANE Select); coding-DNA position 1556, one base deleted (G; older notation c.1556delG).
Protein change: p.Ser519fs; shifts the reading frame from serine 519.
Molecular consequence: frameshift variant.
Genome position (GRCh38, 1-based): chr11:117,381,847, G deleted. VCF-style (leftmost placement, unchanged base first): chr11-117381846-AG-A. GRCh37 (hg19) VCF-style: chr11-117252562-AG-A.
Other names: c.1565del, p.Ser522fs (NM_001271933.2, NM_001440949.1, NM_001440961.1 and 1 more transcripts); c.1556del, p.Ser519fs (NM_001440950.1, NM_001440951.1, NM_001440953.1 and 10 more transcripts); c.1538del, p.Ser513fs (NM_001440952.1, NM_001440968.1, NM_001440969.1 and 1 more transcripts); c.1478del, p.Ser493fs (NM_001440954.1, NM_001440955.1, NM_001440958.1 and 12 more transcripts); c.1616del, p.Ser539fs (NM_001440956.1, NM_001440957.1); c.1427del, p.Ser476fs (NM_001440960.1); c.1397del, p.Ser466fs (NM_001440972.1); short protein forms S476fs, S513fs, S519fs, S466fs, S539fs, S493fs, S522fs.
Identifiers: ClinVar variation 4723880 (VCV004723880.1).
Genomic context (GRCh38, chr11:117,381,846, plus strand): 5'-GAGGGGCAGCCCGAGTGGAAGGAGGCAGAGGAGCTTGGGGAGGACTCTGCAGCCAGCCTC[AG>A]CCTGCAGCTGTCCCTCCAGAGGTAAGGATGAGGGGAAGCATCCTCATGAGGATGAGGGCT-3'